The following is an entry in ClinVar:

NM_003982.4(SLC7A7):c.465T>G (p.Tyr155Ter)

Gene: SLC7A7 (solute carrier family 7 member 7; minus strand). Cytogenetic location: 14q11.2.
Variant type: single nucleotide variant.
Coding change: c.465T>G on transcript NM_003982.4 (MANE Select); coding-DNA position 465, T replaced by G.
Protein change: p.Tyr155Ter; replaces tyrosine 155 with a stop codon.
Molecular consequence: nonsense.
Genome position (GRCh38, 1-based): chr14:22,812,934, A>C on the plus strand (T>G on the coding strand, the complement: SLC7A7 is on the minus strand). VCF-style: chr14-22812934-A-C. GRCh37 (hg19) VCF-style: chr14-23282143-A-C.
Other names: c.465T>G, p.Tyr155Ter (NM_001126105.3, NM_001126106.4); short protein forms Y155*.
Identifiers: ClinVar variation 1459832 (VCV001459832.6), dbSNP rs1029500488, ClinGen allele CA388921964.
Genomic context (GRCh38, chr14:22,812,934, plus strand): 5'-CCACCTCCTACCCCAGCCCCACTTACAAATGCAGGCAGCAGCCAGCAGGCGGCTGGCAGC[A>C]TAAGGGGCGAAGCAGCTCGGGAAGAGAGGCTGTACCATGTAGTTGGCAAAGGTGATGGCA-3'

ClinVar aggregate classification (germline): Pathogenic (1 of 4 stars; one submission).

Conditions:
Lysinuric protein intolerance (LPI). Identifiers: Orphanet 470, MedGen C0268647, MONDO:0009109, OMIM 222700.

Submission:

Labcorp Genetics (formerly Invitae), Labcorp
Classification: Pathogenic for Lysinuric protein intolerance. Last evaluated: 2021-06-03. Review status: criteria provided, single submitter. Criteria: Invitae Variant Classification Sherloc (09022015). Collection method: clinical testing. Allele origin: germline.
Comment: This variant has not been reported in the literature in individuals with SLC7A7-related conditions. This variant is not present in population databases (ExAC no frequency). This sequence change creates a premature translational stop signal (p.Tyr155*) in the SLC7A7 gene. It is expected to result in an absent or disrupted protein product. Loss-of-function variants in SLC7A7 are known to be pathogenic (PMID: 10631139, 17764084). Algorithms developed to predict the effect of sequence changes on RNA splicing suggest that this variant may create or strengthen a splice site, but this prediction has not been confirmed by published transcriptional studies. For these reasons, this variant has been classified as Pathogenic.

Literature cited by the submitters: PubMed 10631139; PubMed 17764084.